The following is an entry in ClinVar:

ClinVar aggregate classification (germline): Likely benign (0 of 4 stars; one submission).

Conditions:
MYO1C-related disorder. Also called: MYO1C-related condition.

Submission:

PreventionGenetics, part of Exact Sciences
Classification: Likely benign for MYO1C-related condition. Last evaluated: 2020-07-31. Review status: no assertion criteria provided. Collection method: clinical testing. Allele origin: germline.
Comment: This variant is classified as likely benign based on ACMG/AMP sequence variant interpretation guidelines (Richards et al. 2015 PMID: 25741868, with internal and published modifications).

NM_001080779.2(MYO1C):c.1716+7A>T

Gene: MYO1C (myosin IC; minus strand). Cytogenetic location: 17p13.3.
Variant type: single nucleotide variant.
Coding change: c.1716+7A>T on transcript NM_001080779.2 (MANE Select); 7 bases into the intron after coding-DNA position 1716, A replaced by T.
Molecular consequence: intron variant.
Genome position (GRCh38, 1-based): chr17:1,474,805, T>A on the plus strand (A>T on the coding strand, the complement: MYO1C is on the minus strand). VCF-style: chr17-1474805-T-A. GRCh37 (hg19) VCF-style: chr17-1378099-T-A.
Other names: c.1611+7A>T (NM_033375.5); c.1659+7A>T (NM_001080950.2); c.1644+7A>T (NM_001363855.1).
Identifiers: ClinVar variation 3036013 (VCV003036013.2), dbSNP rs1163344841, ClinGen allele CA980643418.